The following is an entry in ClinVar:

NM_025099.6(CTC1):c.1309C>T (p.Gln437Ter)

Gene: CTC1 (CST telomere replication complex component 1; minus strand). Cytogenetic location: 17p13.1.
Variant type: single nucleotide variant.
Coding change: c.1309C>T on transcript NM_025099.6 (MANE Select); coding-DNA position 1309, C replaced by T.
Protein change: p.Gln437Ter; replaces glutamine 437 with a stop codon.
Molecular consequence: nonsense. On other transcripts: non-coding transcript variant (1).
Genome position (GRCh38, 1-based): chr17:8,235,183, G>A on the plus strand (C>T on the coding strand, the complement: CTC1 is on the minus strand). VCF-style: chr17-8235183-G-A. GRCh37 (hg19) VCF-style: chr17-8138501-G-A.
Other names: c.1309C>T, p.Gln437Ter (NM_001411067.1); short protein forms Q437*.
Identifiers: ClinVar variation 4823570 (VCV004823570.4).
Genomic context (GRCh38, chr17:8,235,183, plus strand): 5'-CCAGCTGCTCGTACAGGGAGGCCCCGTAGGCTTGACGGGATGAGTGAGCCCCAGGCTTCT[G>A]ACGAGAGAAGCTTTGAAGCAGAACGGCGCCACGGAGGCAGGGGGCGAGCACTGGCCTTCT-3'

ClinVar aggregate classification (germline): Pathogenic (1 of 4 stars; one submission).

Submission:

CeGaT Center for Human Genetics Tuebingen
Classification: Pathogenic. Last evaluated: 2026-02-01. Review status: criteria provided, single submitter. Criteria: CeGaT Center For Human Genetics Tuebingen Variant Classification Criteria Version 2. Collection method: clinical testing. Allele origin: germline. Affected: yes. Observed: 1 variant allele.
Comment: CTC1: PVS1, PM2